The following is an entry in ClinVar:

ClinVar aggregate classification (germline): Uncertain significance (1 of 4 stars; one submission).

Submission:

Labcorp Genetics (formerly Invitae), Labcorp
Classification: Uncertain significance. Last evaluated: 2021-12-21. Review status: criteria provided, single submitter. Criteria: Invitae Variant Classification Sherloc (09022015). Collection method: clinical testing. Allele origin: germline.
Comment: This sequence change replaces tyrosine, which is neutral and polar, with cysteine, which is neutral and slightly polar, at codon 1798 of the VPS13C protein (p.Tyr1798Cys). This variant is not present in population databases (gnomAD no frequency). This variant has not been reported in the literature in individuals affected with VPS13C-related conditions. Algorithms developed to predict the effect of missense changes on protein structure and function output the following: SIFT: "Tolerated"; PolyPhen-2: "Benign"; Align-GVGD: "Class C0". The cysteine amino acid residue is found in multiple mammalian species, which suggests that this missense change does not adversely affect protein function. In summary, the available evidence is currently insufficient to determine the role of this variant in disease. Therefore, it has been classified as a Variant of Uncertain Significance.

NM_020821.3(VPS13C):c.5393A>G (p.Tyr1798Cys)

Gene: VPS13C (vacuolar protein sorting 13 homolog C; minus strand). Cytogenetic location: 15q22.2.
Variant type: single nucleotide variant.
Coding change: c.5393A>G on transcript NM_020821.3 (MANE Select); coding-DNA position 5393, A replaced by G.
Protein change: p.Tyr1798Cys; replaces tyrosine 1798 with cysteine.
Molecular consequence: missense variant.
Genome position (GRCh38, 1-based): chr15:61,941,823, T>C on the plus strand (A>G on the coding strand, the complement: VPS13C is on the minus strand). VCF-style: chr15-61941823-T-C. GRCh37 (hg19) VCF-style: chr15-62234022-T-C.
Other names: c.5393A>G, p.Tyr1798Cys (NM_001018088.3); c.5264A>G, p.Tyr1755Cys (NM_017684.5, NM_018080.4); short protein forms Y1798C, Y1755C.
Identifiers: ClinVar variation 2038365 (VCV002038365.1), dbSNP rs908761294, ClinGen allele CA271910405.